The following is an entry in ClinVar:

ClinVar aggregate classification (germline): Uncertain significance (1 of 4 stars; one submission).

Submission:

Labcorp Genetics (formerly Invitae), Labcorp
Classification: Uncertain significance. Last evaluated: 2024-07-15. Review status: criteria provided, single submitter. Criteria: Invitae Variant Classification Sherloc (09022015). Collection method: clinical testing. Allele origin: germline.
Comment: This variant, c.3793_3795del, results in the deletion of 1 amino acid(s) of the ERCC6L2 protein (p.Glu1265del), but otherwise preserves the integrity of the reading frame. This variant is present in population databases (rs780835809, gnomAD 0.006%). This variant has not been reported in the literature in individuals affected with ERCC6L2-related conditions. Experimental studies and prediction algorithms are not available or were not evaluated, and the functional significance of this variant is currently unknown. In summary, the available evidence is currently insufficient to determine the role of this variant in disease. Therefore, it has been classified as a Variant of Uncertain Significance.

NM_020207.7(ERCC6L2):c.3757GAA[1] (p.Glu1254del)

Gene: ERCC6L2 (ERCC excision repair 6 like 2; plus strand). Cytogenetic location: 9q22.32.
Variant type: Microsatellite.
Coding change: c.3757GAA[1] on transcript NM_020207.7 (MANE Select); one copy of the 3-base unit GAA starting at c.3757; the reference has two copies in a row; one copy, 3 bases deleted.
Protein change: p.Glu1254del; deletes glutamic acid 1254.
Molecular consequence: inframe deletion. On other transcripts: non-coding transcript variant (1), intron variant (2).
Genome position (GRCh38, 1-based): chr9:96,012,310-96,012,312, GAA deleted; deleting any 3 consecutive bases within chr9:96,012,306-96,012,312 gives the same sequence; the position shown is the placement nearest the transcript's 3' end. VCF-style (leftmost placement, unchanged base first): chr9-96012305-CAGA-C. GRCh37 (hg19) VCF-style: chr9-98774587-CAGA-C.
Other names: c.3674+7609_3674+7611del (NM_001375291.1, NM_001375292.1); short protein forms E1254del.
Identifiers: ClinVar variation 3614743 (VCV003614743.1).